The following is an entry in ClinVar:

ClinVar aggregate classification (germline): Uncertain significance (1 of 4 stars; one submission).

Allele frequency attached by ClinVar (database versions not stated): TOPMed below 0.00001; gnomAD 0.00001; 1000 Genomes Project 30x 0.00016; 1000 Genomes Project 0.00020; ExAC 0.00002.
gnomAD v4.1: 2 of 1,606,556 alleles (0.00012%); highest among the groups gnomAD compares: East Asian, 0.0022%; no homozygotes.

Submission:

Labcorp Genetics (formerly Invitae), Labcorp
Classification: Uncertain significance. Last evaluated: 2025-02-10. Review status: criteria provided, single submitter. Criteria: Invitae Variant Classification Sherloc (09022015). Collection method: clinical testing. Allele origin: germline.
Comment: This sequence change replaces isoleucine, which is neutral and non-polar, with threonine, which is neutral and polar, at codon 54 of the ITGAM protein (p.Ile54Thr). This variant is present in population databases (rs552204837, gnomAD 0.006%). This variant has not been reported in the literature in individuals affected with ITGAM-related conditions. ClinVar contains an entry for this variant (Variation ID: 2044104). An algorithm developed to predict the effect of missense changes on protein structure and function outputs the following: PolyPhen-2: "Benign". The threonine amino acid residue is found in multiple mammalian species, which suggests that this missense change does not adversely affect protein function. In summary, the available evidence is currently insufficient to determine the role of this variant in disease. Therefore, it has been classified as a Variant of Uncertain Significance.

NM_000632.4(ITGAM):c.161T>C (p.Ile54Thr)

Genes: ITGAM (integrin subunit alpha M; plus strand), LOC126862331 (P300/CBP strongly-dependent group 1 enhancer GRCh37_chr16:31276375-31277574; plus strand). Cytogenetic location: 16p11.2.
Variant type: single nucleotide variant.
Coding change: c.161T>C on transcript NM_000632.4 (MANE Select); coding-DNA position 161, T replaced by C.
Protein change: p.Ile54Thr; replaces isoleucine 54 with threonine.
Molecular consequence: missense variant.
Genome position (GRCh38, 1-based): chr16:31,265,421, T>C. VCF-style: chr16-31265421-T-C. GRCh37 (hg19) VCF-style: chr16-31276742-T-C.
Other names: c.161T>C, p.Ile54Thr (NM_001145808.2); short protein forms I54T.
Identifiers: ClinVar variation 2044104 (VCV002044104.4), dbSNP rs552204837, ClinGen allele CA8025137.